The following is an entry in ClinVar:

NM_003047.5(SLC9A1):c.2393C>T (p.Pro798Leu)

Gene: SLC9A1 (solute carrier family 9 member A1; minus strand). Cytogenetic location: 1p36.11.
Variant type: single nucleotide variant.
Coding change: c.2393C>T on transcript NM_003047.5 (MANE Select); coding-DNA position 2393, C replaced by T.
Protein change: p.Pro798Leu; replaces proline 798 with leucine.
Molecular consequence: missense variant. On other transcripts: non-coding transcript variant (1).
Genome position (GRCh38, 1-based): chr1:27,100,362, G>A on the plus strand (C>T on the coding strand, the complement: SLC9A1 is on the minus strand). VCF-style: chr1-27100362-G-A. GRCh37 (hg19) VCF-style: chr1-27426853-G-A.
Other names: short protein forms P798L.
Identifiers: ClinVar variation 2021002 (VCV002021002.4), dbSNP rs1239594053, ClinGen allele CA339176330.

ClinVar aggregate classification (germline): Uncertain significance (1 of 4 stars; one submission).

Submission:

Labcorp Genetics (formerly Invitae), Labcorp
Classification: Uncertain significance. Last evaluated: 2022-09-02. Review status: criteria provided, single submitter. Criteria: Invitae Variant Classification Sherloc (09022015). Collection method: clinical testing. Allele origin: germline.
Comment: This variant has not been reported in the literature in individuals affected with SLC9A1-related conditions. This variant is not present in population databases (gnomAD no frequency). This sequence change replaces proline, which is neutral and non-polar, with leucine, which is neutral and non-polar, at codon 798 of the SLC9A1 protein (p.Pro798Leu). Algorithms developed to predict the effect of missense changes on protein structure and function are either unavailable or do not agree on the potential impact of this missense change (SIFT: "Deleterious"; PolyPhen-2: "Possibly Damaging"; Align-GVGD: "Class C0"). In summary, the available evidence is currently insufficient to determine the role of this variant in disease. Therefore, it has been classified as a Variant of Uncertain Significance.